The following is an entry in ClinVar:

ClinVar aggregate classification (germline): Uncertain significance. Review status: criteria provided, multiple submitters, no conflicts (2 of 4 stars). 4 submissions from 3 submitters: Uncertain significance (4). Last evaluated 2024-10-25.

Conditions:
Inborn genetic diseases. Identifiers: MedGen C0950123, MeSH D030342.
Amyotrophic lateral sclerosis type 11 (ALS11). Identifiers: Orphanet 803, MedGen C2675491, MONDO:0012945, OMIM 612577.
Charcot-Marie-Tooth disease type 4J (CMT4J). Also called: CHARCOT-MARIE-TOOTH DISEASE, DEMYELINATING, TYPE 4J; Charcot-Marie-Tooth Neuropathy Type 4J; CHARCOT-MARIE-TOOTH DISEASE, AUTOSOMAL RECESSIVE, TYPE 4J. Identifiers: Orphanet 139515, MedGen C1970011, MONDO:0012640, OMIM 611228.
Charcot-Marie-Tooth disease type 4. Also called: Charcot-Marie-Tooth disease, type IV; Charcot-Marie-Tooth, Type 4. Identifiers: Orphanet 64749, MedGen C4082197, MONDO:0018995.

Allele frequency attached by ClinVar (database versions not stated): gnomAD 0.00001; gnomAD exomes 0.00001; TOPMed 0.00002.
gnomAD v4.1: 22 of 1,613,362 alleles (0.0014%); highest among the groups gnomAD compares: Middle Eastern, 0.016%; no homozygotes.

Submissions (4):

Ambry Genetics
Classification: Uncertain significance for Inborn genetic diseases. Last evaluated: 2024-10-25. Review status: criteria provided, single submitter. Criteria: Ambry Variant Classification Scheme 2023. Collection method: clinical testing. Allele origin: germline.

Labcorp Genetics (formerly Invitae), Labcorp
Classification: Uncertain significance for Charcot-Marie-Tooth disease type 4. Last evaluated: 2022-06-01. Review status: criteria provided, single submitter. Criteria: Invitae Variant Classification Sherloc (09022015). Collection method: clinical testing. Allele origin: germline.
Comment: This sequence change replaces threonine, which is neutral and polar, with methionine, which is neutral and non-polar, at codon 741 of the FIG4 protein (p.Thr741Met). This variant is present in population databases (no rsID available, gnomAD 0.003%). This variant has not been reported in the literature in individuals affected with FIG4-related conditions. ClinVar contains an entry for this variant (Variation ID: 907037). Algorithms developed to predict the effect of missense changes on protein structure and function are either unavailable or do not agree on the potential impact of this missense change (SIFT: "Deleterious"; PolyPhen-2: "Benign"; Align-GVGD: "Class C0"). In summary, the available evidence is currently insufficient to determine the role of this variant in disease. Therefore, it has been classified as a Variant of Uncertain Significance.

Illumina Laboratory Services, Illumina
Classification: Uncertain significance for Charcot-Marie-Tooth disease type 4J. Last evaluated: 2018-01-13. Review status: criteria provided, single submitter. Criteria: ICSL Variant Classification Criteria 13 December 2019. Collection method: clinical testing. Allele origin: germline.

Illumina Laboratory Services, Illumina
Classification: Uncertain significance for Amyotrophic lateral sclerosis type 11. Last evaluated: 2018-01-13. Review status: criteria provided, single submitter. Criteria: ICSL Variant Classification Criteria 13 December 2019. Collection method: clinical testing. Allele origin: germline.

NM_014845.6(FIG4):c.2222C>T (p.Thr741Met)

Gene: FIG4 (FIG4 phosphoinositide 5-phosphatase; plus strand). Cytogenetic location: 6q21.
Variant type: single nucleotide variant.
Coding change: c.2222C>T on transcript NM_014845.6 (MANE Select); coding-DNA position 2222, C replaced by T.
Protein change: p.Thr741Met; replaces threonine 741 with methionine.
Molecular consequence: missense variant.
Genome position (GRCh38, 1-based): chr6:109,791,417, C>T. VCF-style: chr6-109791417-C-T. GRCh37 (hg19) VCF-style: chr6-110112620-C-T.
Other names: short protein forms T741M.
Identifiers: ClinVar variation 907037 (VCV000907037.9), dbSNP rs1274229885, ClinGen allele CA365216039.
Genomic context (GRCh38, chr6:109,791,417, plus strand): 5'-CATATTATTCTTTTAAAAGAAACAAAAGCAATAGAGAAGAAGCTGTATTACAGCGGAAAA[C>T]GGCAGCCAGCGCCCCGCCGCCCCCCAGCGAGGAGGCTGTGTCCAGCAGCTCTGAGGATGA-3'
Protein context (NP_055660.1, residues 731-751): NREEAVLQRK[Thr741Met]AASAPPPPSE